The following is an entry in ClinVar:

NM_001267550.2(TTN):c.105545A>G (p.Tyr35182Cys)

Genes: TTN (titin; minus strand), TTN-AS1 (TTN antisense RNA 1; plus strand), LOC129935184 (ATAC-STARR-seq lymphoblastoid active region 16809; plus strand). Cytogenetic location: 2q31.2.
Variant type: single nucleotide variant.
Coding change: c.105545A>G on transcript NM_001267550.2 (MANE Select); coding-DNA position 105545, A replaced by G.
Protein change: p.Tyr35182Cys; replaces tyrosine 35182 with cysteine.
Molecular consequence: missense variant.
Genome position (GRCh38, 1-based): chr2:178,531,070, T>C on the plus strand (A>G on the coding strand, the complement: TTN is on the minus strand). VCF-style: chr2-178531070-T-C. GRCh37 (hg19) VCF-style: chr2-179395797-T-C.
Other names: c.100622A>G, p.Tyr33541Cys (NM_001256850.1); c.78350A>G, p.Tyr26117Cys (NM_003319.4); c.97841A>G, p.Tyr32614Cys (NM_133378.4); c.78725A>G, p.Tyr26242Cys (NM_133432.3); c.78926A>G, p.Tyr26309Cys (NM_133437.4); short protein forms Y26242C, Y32614C, Y26117C, Y26309C, Y33541C, Y35182C.
Identifiers: ClinVar variation 893625 (VCV000893625.13), dbSNP rs878913505, ClinGen allele CA60953777.

ClinVar aggregate classification (germline): Uncertain significance. Review status: criteria provided, multiple submitters, no conflicts (2 of 4 stars). 7 submissions from 3 submitters: Uncertain significance (7). Last evaluated 2023-10-09.

Conditions:
Cardiovascular phenotype. Identifiers: MedGen CN230736.
Autosomal recessive limb-girdle muscular dystrophy type 2J (LGMDR10). Also called: Limb-girdle muscular dystrophy, type 2J; MUSCULAR DYSTROPHY, LIMB-GIRDLE, AUTOSOMAL RECESSIVE 10. Identifiers: Orphanet 140922, MedGen C1837342, MONDO:0012127, OMIM 608807.
Dilated cardiomyopathy 1G (CMD1G). Identifiers: Orphanet 154, MedGen C1858763, MONDO:0011400, OMIM 604145.
Tibial muscular dystrophy (TMD). Also called: Tibial muscular dystrophy, tardive; UDD MYOPATHY; Udd Distal Myopathy – Tibial Muscular Dystrophy. Identifiers: Orphanet 609, MedGen C1838244, MONDO:0010870, OMIM 600334.
Early-onset myopathy with fatal cardiomyopathy (CMYO5). Also called: CONGENITAL MYOPATHY 5 WITH CARDIOMYOPATHY; Salih Myopathy. Identifiers: Orphanet 289377, MedGen C2673677, MONDO:0012714, OMIM 611705. Disease mechanism: loss of function.
Myopathy, myofibrillar, 9, with early respiratory failure (MFM9). Also called: EDSTROM MYOPATHY; MYOPATHY, PROXIMAL, WITH EARLY RESPIRATORY MUSCLE INVOLVEMENT; Myopathy, distal, with early respiratory failure, autosomal dominant; Hereditary myopathy with early respiratory failure. Identifiers: Orphanet 178464, Orphanet 34521, MedGen C1863599, MONDO:0011362, OMIM 603689.

Allele frequency attached by ClinVar (database versions not stated): gnomAD exomes below 0.00001; TOPMed below 0.00001.

Submissions (7):

Labcorp Genetics (formerly Invitae), Labcorp
Classification: Uncertain significance for Dilated cardiomyopathy 1G; Autosomal recessive limb-girdle muscular dystrophy type 2J. Last evaluated: 2023-10-09. Review status: criteria provided, single submitter. Criteria: Invitae Variant Classification Sherloc (09022015). Collection method: clinical testing. Allele origin: germline.
Comment: This sequence change replaces tyrosine, which is neutral and polar, with cysteine, which is neutral and slightly polar, at codon 35182 of the TTN protein (p.Tyr35182Cys). This variant is not present in population databases (gnomAD no frequency). This variant has not been reported in the literature in individuals affected with TTN-related conditions. ClinVar contains an entry for this variant (Variation ID: 893625). Experimental studies and prediction algorithms are not available or were not evaluated, and the functional significance of this variant is currently unknown. This variant is located in the M band of TTN (PMID: 25589632). Variants in this region may be relevant for neuromuscular disorders, but have not been definitively shown to cause cardiomyopathy (PMID: 23975875). In summary, the available evidence is currently insufficient to determine the role of this variant in disease. Therefore, it has been classified as a Variant of Uncertain Significance.

Ambry Genetics
Classification: Uncertain significance for Cardiovascular phenotype. Last evaluated: 2018-09-27. Review status: criteria provided, single submitter. Criteria: Ambry Variant Classification Scheme 2023. Collection method: clinical testing. Allele origin: germline.
Comment: The p.Y26117C variant (also known as c.78350A>G), located in coding exon 185 of the TTN gene, results from an A to G substitution at nucleotide position 78350. The tyrosine at codon 26117 is replaced by cysteine, an amino acid with highly dissimilar properties. This amino acid position is highly conserved in available vertebrate species. In addition, this alteration is predicted to be tolerated by in silico analysis. Since supporting evidence is limited at this time, the clinical significance of this alteration remains unclear.

Illumina Laboratory Services, Illumina
Classification: Uncertain significance for Early-onset myopathy with fatal cardiomyopathy. Last evaluated: 2018-01-12. Review status: criteria provided, single submitter. Criteria: ICSL Variant Classification Criteria 13 December 2019. Collection method: clinical testing. Allele origin: germline.

Illumina Laboratory Services, Illumina
Classification: Uncertain significance for Tibial muscular dystrophy. Last evaluated: 2018-01-12. Review status: criteria provided, single submitter. Criteria: ICSL Variant Classification Criteria 13 December 2019. Collection method: clinical testing. Allele origin: germline.

Illumina Laboratory Services, Illumina
Classification: Uncertain significance for Dilated cardiomyopathy 1G. Last evaluated: 2018-01-12. Review status: criteria provided, single submitter. Criteria: ICSL Variant Classification Criteria 13 December 2019. Collection method: clinical testing. Allele origin: germline.

Illumina Laboratory Services, Illumina
Classification: Uncertain significance for Myopathy, myofibrillar, 9, with early respiratory failure. Last evaluated: 2018-01-12. Review status: criteria provided, single submitter. Criteria: ICSL Variant Classification Criteria 13 December 2019. Collection method: clinical testing. Allele origin: germline.

Illumina Laboratory Services, Illumina
Classification: Uncertain significance for Autosomal recessive limb-girdle muscular dystrophy type 2J. Last evaluated: 2018-01-12. Review status: criteria provided, single submitter. Criteria: ICSL Variant Classification Criteria 13 December 2019. Collection method: clinical testing. Allele origin: germline.

Literature cited by the submitters: PubMed 25589632 (cited by Labcorp Genetics (formerly Invitae), Labcorp); PubMed 23975875 (cited by Labcorp Genetics (formerly Invitae), Labcorp).